The following is an entry in ClinVar:

ClinVar aggregate classification (germline): Uncertain significance (1 of 4 stars; one submission).

gnomAD v4.1: 1 of 1,613,936 alleles (0.000062%); highest among the groups gnomAD compares: Non-Finnish European, 0.000085%; no homozygotes.

Submission:

Labcorp Genetics (formerly Invitae), Labcorp
Classification: Uncertain significance. Last evaluated: 2025-05-05. Review status: criteria provided, single submitter. Criteria: Invitae Variant Classification Sherloc (09022015). Collection method: clinical testing. Allele origin: germline.
Comment: This sequence change replaces aspartic acid, which is acidic and polar, with glutamic acid, which is acidic and polar, at codon 1565 of the FOCAD protein (p.Asp1565Glu). This variant is not present in population databases (gnomAD no frequency). This variant has not been reported in the literature in individuals affected with FOCAD-related conditions. ClinVar contains an entry for this variant (Variation ID: 3726754). Experimental studies and prediction algorithms are not available or were not evaluated, and the functional significance of this variant is currently unknown. In summary, the available evidence is currently insufficient to determine the role of this variant in disease. Therefore, it has been classified as a Variant of Uncertain Significance.

NM_001375567.1(FOCAD):c.4695T>G (p.Asp1565Glu)

Gene: FOCAD (focadhesin; plus strand). Cytogenetic location: 9p21.3.
Variant type: single nucleotide variant.
Coding change: c.4695T>G on transcript NM_001375567.1 (MANE Select); coding-DNA position 4695, T replaced by G.
Protein change: p.Asp1565Glu; replaces aspartic acid 1565 with glutamic acid.
Molecular consequence: missense variant.
Genome position (GRCh38, 1-based): chr9:20,982,413, T>G. VCF-style: chr9-20982413-T-G. GRCh37 (hg19) VCF-style: chr9-20982412-T-G.
Other names: c.4590T>G, p.Asp1530Glu (NM_001375568.1, NM_001375570.1); c.4695T>G, p.Asp1565Glu (NM_017794.5); short protein forms D1530E, D1565E.
Identifiers: ClinVar variation 3726754 (VCV003726754.2).